The following is an entry in ClinVar:

ClinVar aggregate classification (germline): Pathogenic. Review status: criteria provided, multiple submitters, no conflicts (2 of 4 stars). 3 submissions from 3 submitters: Pathogenic (3). Last evaluated 2025-03-14.

Conditions:
Hereditary cancer-predisposing syndrome. Also called: Hereditary Cancer Syndrome; Neoplastic Syndromes, Hereditary; Hereditary neoplastic syndrome; Tumor predisposition. Identifiers: Orphanet 140162, MedGen C0027672, MeSH D009386, MONDO:0015356.
Cardiovascular phenotype. Identifiers: MedGen CN230736.
Neurofibromatosis, type 1 (NF1). Also called: Peripheral type neurofibromatosis; Neurofibromatosis, type I; NEUROFIBROMATOSIS, TYPE I, SOMATIC; VON RECKLINGHAUSEN DISEASE. Identifiers: Orphanet 636, MedGen C0027831, MONDO:0018975, OMIM 162200. Disease mechanism: loss of function.

Allele frequency attached by ClinVar (database versions not stated): gnomAD exomes below 0.00001; ExAC 0.00001.
gnomAD v4.1: 1 of 1,588,102 alleles (0.000063%); highest among the groups gnomAD compares: Non-Finnish European, 0.000086%; no homozygotes.

Submissions (3):

Ambry Genetics
Classification: Pathogenic for Cardiovascular phenotype; Hereditary cancer-predisposing syndrome. Last evaluated: 2025-03-14. Review status: criteria provided, single submitter. Criteria: Ambry Variant Classification Scheme 2023. Collection method: clinical testing. Allele origin: germline.
Comment: The c.2410-14A>G intronic pathogenic mutation results from an A to G substitution 14 nucleotides upstream from coding exon 21 in the NF1 gene. This variant was identified in multiple individuals with features consistent with neurofibromatosis type 1 (Wimmer K et al. Hum Mutat, 2020 Jun;41:1145-1156). RNA studies have demonstrated that this alteration results in partial intron retention in the set of samples tested (Wimmer K et al. Hum Mutat, 2020 Jun;41:1145-1156; Ambry internal data). This nucleotide position is well conserved in available vertebrate species. In silico splice site analysis predicts that this alteration may weaken the native splice acceptor site and will result in the creation or strengthening of a novel splice acceptor site. Based on the supporting evidence, this alteration is interpreted as a disease-causing mutation.

GeneDx
Classification: Pathogenic. Last evaluated: 2024-02-09. Review status: criteria provided, single submitter. Criteria: GeneDx Variant Classification Process June 2021. Collection method: clinical testing. Allele origin: germline. Affected: yes.
Comment: Non-canonical splice site variant demonstrated to result in loss of function (PMID: 32126153); Not observed at significant frequency in large population cohorts (gnomAD); This variant is associated with the following publications: (PMID: 32126153)

UAB Medical Genomics Laboratory, UAB Medicine
Classification: Pathogenic for Neurofibromatosis, type 1. Last evaluated: 2020-01-20. Review status: criteria provided, single submitter. Criteria: ACMG Guidelines, 2015. Collection method: clinical testing. Allele origin: germline. Affected: yes.

Literature cited by the submitters: PubMed 32126153 (cited by Ambry Genetics and UAB Medical Genomics Laboratory, UAB Medicine).

NM_001042492.3(NF1):c.2410-14A>G

Gene: NF1 (neurofibromin 1; plus strand). Cytogenetic location: 17q11.2.
Variant type: single nucleotide variant.
Coding change: c.2410-14A>G on transcript NM_001042492.3 (MANE Select); 14 bases into the intron before coding-DNA position 2410, A replaced by G.
Molecular consequence: intron variant.
Genome position (GRCh38, 1-based): chr17:31,229,011, A>G. VCF-style: chr17-31229011-A-G. GRCh37 (hg19) VCF-style: chr17-29556029-A-G.
Other names: c.2410-14A>G (NM_000267.4).
Identifiers: ClinVar variation 816758 (VCV000816758.4), dbSNP rs773710071, ClinGen allele CA8485988.